The following is an entry in ClinVar:

ClinVar aggregate classification (germline): Uncertain significance (1 of 4 stars; one submission).

Conditions:
Familial thoracic aortic aneurysm and aortic dissection (TAAD). Also called: Thoracic aortic aneurysms and dissections. Identifiers: Orphanet 91387, MedGen C4707243, MONDO:0019625.

Submission:

Ambry Genetics
Classification: Uncertain significance for Familial thoracic aortic aneurysm and aortic dissection. Last evaluated: 2025-07-24. Review status: criteria provided, single submitter. Criteria: Ambry Variant Classification Scheme 2023. Collection method: clinical testing. Allele origin: germline.
Comment: The p.I257F variant (also known as c.769A>T), located in coding exon 2 of the SLC2A10 gene, results from an A to T substitution at nucleotide position 769. The isoleucine at codon 257 is replaced by phenylalanine, an amino acid with highly similar properties. This amino acid position is conserved. In addition, the in silico prediction for this alteration is inconclusive. Based on the available evidence, the clinical significance of this variant remains unclear.

NM_030777.4(SLC2A10):c.769A>T (p.Ile257Phe)

Gene: SLC2A10 (solute carrier family 2 member 10; plus strand). Cytogenetic location: 20q13.12.
Variant type: single nucleotide variant.
Coding change: c.769A>T on transcript NM_030777.4 (MANE Select); coding-DNA position 769, A replaced by T.
Protein change: p.Ile257Phe; replaces isoleucine 257 with phenylalanine.
Molecular consequence: missense variant.
Genome position (GRCh38, 1-based): chr20:46,725,805, A>T. VCF-style: chr20-46725805-A-T. GRCh37 (hg19) VCF-style: chr20-45354444-A-T.
Other names: short protein forms I257F.
Identifiers: ClinVar variation 4167459 (VCV004167459.1).